The following is an entry in ClinVar:

ClinVar aggregate classification (germline): Pathogenic (1 of 4 stars; one submission).

Submission:

Labcorp Genetics (formerly Invitae), Labcorp
Classification: Pathogenic. Last evaluated: 2026-01-21. Review status: criteria provided, single submitter. Criteria: Invitae Variant Classification Sherloc (09022015). Collection method: clinical testing. Allele origin: germline.
Comment: This sequence change creates a premature translational stop signal (p.Ser757Thrfs*52) in the EPHB4 gene. It is expected to result in an absent or disrupted protein product. Loss-of-function variants in EPHB4 are known to be pathogenic (PMID: 28687708). This variant is not present in population databases (gnomAD no frequency). This variant has not been reported in the literature in individuals affected with EPHB4-related conditions. For these reasons, this variant has been classified as Pathogenic.

Literature cited by the submitters: PubMed 28687708.

NM_004444.5(EPHB4):c.2269_2272del (p.Ser757fs)

Gene: EPHB4 (EPH receptor B4; minus strand). Cytogenetic location: 7q22.1.
Variant type: Deletion.
Coding change: c.2269_2272del on transcript NM_004444.5 (MANE Select); coding-DNA positions 2269 to 2272, 4 bases deleted (TCTG; older notation c.2269_2272delTCTG).
Protein change: p.Ser757fs; shifts the reading frame from serine 757.
Molecular consequence: frameshift variant.
Genome position (GRCh38, 1-based): chr7:100,807,427-100,807,430, CAGA deleted on the plus strand (TCTG on the coding strand, the reverse complement: EPHB4 is on the minus strand); deleting any 4 consecutive bases within chr7:100,807,427-100,807,432 gives the same sequence; the c. name uses the placement nearest the transcript's 3' end. VCF-style (leftmost placement, unchanged base first): chr7-100807426-TCAGA-T. GRCh37 (hg19) VCF-style: chr7-100405048-TCAGA-T.
Other names: short protein forms S757fs.
Identifiers: ClinVar variation 4735915 (VCV004735915.1).